The following is an entry in ClinVar:

NM_002471.4(MYH6):c.1697A>C (p.Lys566Thr)

Gene: MYH6 (myosin heavy chain 6; minus strand). Cytogenetic location: 14q11.2.
Variant type: single nucleotide variant.
Coding change: c.1697A>C on transcript NM_002471.4 (MANE Select); coding-DNA position 1697, A replaced by C.
Protein change: p.Lys566Thr; replaces lysine 566 with threonine.
Molecular consequence: missense variant.
Genome position (GRCh38, 1-based): chr14:23,398,922, T>G on the plus strand (A>C on the coding strand, the complement: MYH6 is on the minus strand). VCF-style: chr14-23398922-T-G. GRCh37 (hg19) VCF-style: chr14-23868131-T-G.
Other names: short protein forms K566T.
Identifiers: ClinVar variation 3915574 (VCV003915574.1).
Genomic context (GRCh38, chr14:23,398,922, plus strand): 5'-GTGCCGGCGTAGTGGATCAGGGAGAAGTGGGCTTCCTGCTTCCCCTTGATGTTGCGTGGC[T>G]TCTGGAAATTGTTGGACTTGCCCAGGTGGTTGTCGTACAGCTTGGCCTTGAAGGTCATGT-3'
Protein context (NP_002462.2, residues 556-576): NHLGKSNNFQ[Lys566Thr]PRNIKGKQEA

ClinVar aggregate classification (germline): Uncertain significance (1 of 4 stars; one submission).

Conditions:
Cardiovascular phenotype. Identifiers: MedGen CN230736.

gnomAD v4.1: 1 of 1,614,012 alleles (0.000062%); highest among the groups gnomAD compares: Non-Finnish European, 0.000085%; no homozygotes.

Submission:

Ambry Genetics
Classification: Uncertain significance for Cardiovascular phenotype. Last evaluated: 2025-06-10. Review status: criteria provided, single submitter. Criteria: Ambry Variant Classification Scheme 2023. Collection method: clinical testing. Allele origin: germline.
Comment: The p.K566T variant (also known as c.1697A>C), located in coding exon 13 of the MYH6 gene, results from an A to C substitution at nucleotide position 1697. The lysine at codon 566 is replaced by threonine, an amino acid with similar properties. This amino acid position is conserved. In addition, the in silico prediction for this alteration is inconclusive. Based on the available evidence, the clinical significance of this variant remains unclear.